The following is an entry in ClinVar:

NM_003701.4(TNFSF11):c.83G>A (p.Gly28Asp)

Genes: TNFSF11 (TNF superfamily member 11; plus strand), LOC130009662 (ATAC-STARR-seq lymphoblastoid silent region 5301; plus strand). Cytogenetic location: 13q14.11.
Variant type: single nucleotide variant.
Coding change: c.83G>A on transcript NM_003701.4 (MANE Select); coding-DNA position 83, G replaced by A.
Protein change: p.Gly28Asp; replaces glycine 28 with aspartic acid.
Molecular consequence: missense variant. On other transcripts: intron variant (1).
Genome position (GRCh38, 1-based): chr13:42,574,386, G>A. VCF-style: chr13-42574386-G-A. GRCh37 (hg19) VCF-style: chr13-43148522-G-A.
Other names: c.-1+2648G>A (NM_033012.4); short protein forms G28D.
Identifiers: ClinVar variation 501658 (VCV000501658.14), dbSNP rs201652399, ClinGen allele CA6967115.

ClinVar aggregate classification (germline): Uncertain significance. Review status: criteria provided, multiple submitters, no conflicts (2 of 4 stars). 5 submissions from 5 submitters: Uncertain significance (4). 1 of the submissions does not count toward it. Last evaluated 2024-09-27.

Conditions:
TNFSF11-related disorder. Also called: TNFSF11-related condition.
Autosomal recessive osteopetrosis 2. Also called: OSTEOPETROSIS, MILD AUTOSOMAL RECESSIVE FORM. Identifiers: Orphanet 667, MedGen C1850126, MONDO:0009816, OMIM 259710.

Allele frequency attached by ClinVar (database versions not stated): gnomAD 0.00056 and 0.00052; ExAC 0.00113; 1000 Genomes Project 0.00020; ESP Exome Variant Server 0.00028; 1000 Genomes Project 30x 0.00047; TOPMed 0.00047.
gnomAD v4.1: 1,136 of 1,547,700 alleles (0.073%); highest among the groups gnomAD compares: South Asian, 0.18%; 3 homozygotes.

Submissions (5):

Blueprint Genetics
Classification: Uncertain significance. Last evaluated: 2024-09-27. Review status: criteria provided, single submitter. Criteria: ACMG Guidelines, 2015. Collection method: clinical testing. Allele origin: germline.

Labcorp Genetics (formerly Invitae), Labcorp
Classification: Uncertain significance. Last evaluated: 2024-01-24. Review status: criteria provided, single submitter. Criteria: Invitae Variant Classification Sherloc (09022015). Collection method: clinical testing. Allele origin: germline.
Comment: This sequence change replaces glycine, which is neutral and non-polar, with aspartic acid, which is acidic and polar, at codon 28 of the TNFSF11 protein (p.Gly28Asp). This variant is present in population databases (rs201652399, gnomAD 0.1%), and has an allele count higher than expected for a pathogenic variant. This variant has not been reported in the literature in individuals affected with TNFSF11-related conditions. ClinVar contains an entry for this variant (Variation ID: 501658). An algorithm developed to predict the effect of missense changes on protein structure and function (PolyPhen-2) suggests that this variant¬†is likely to be tolerated. In summary, the available evidence is currently insufficient to determine the role of this variant in disease. Therefore, it has been classified as a Variant of Uncertain Significance.

Illumina Laboratory Services, Illumina
Classification: Uncertain significance for Autosomal recessive osteopetrosis 2. Last evaluated: 2018-01-12. Review status: criteria provided, single submitter. Criteria: ICSL Variant Classification Criteria 13 December 2019. Collection method: clinical testing. Allele origin: germline.

Eurofins Ntd Llc (ga)
Classification: Uncertain significance. Last evaluated: 2017-05-17. Review status: criteria provided, single submitter. Criteria: EGL Classification Definitions 2015. Collection method: clinical testing. Allele origin: germline. Observed: 1 variant allele, 1 heterozygote.

PreventionGenetics, part of Exact Sciences
Classification: Uncertain significance for TNFSF11-related condition. Last evaluated: 2024-05-03. Review status: no assertion criteria provided. Collection method: clinical testing. Allele origin: germline. Not counted in ClinVar's aggregate classification.
Comment: The TNFSF11 c.83G>A variant is predicted to result in the amino acid substitution p.Gly28Asp. To our knowledge, this variant has not been reported in the literature. This variant is reported in 0.11% of alleles in individuals of South Asian descent in gnomAD. Although we suspect that this variant may be benign, at this time, the clinical significance of this variant is uncertain due to the absence of conclusive functional and genetic evidence.